The following is an entry in ClinVar:

ClinVar aggregate classification (germline): Uncertain significance (1 of 4 stars; one submission).

Conditions:
Syndromic multisystem autoimmune disease due to ITCH deficiency. Also called: AUTOIMMUNE DISEASE, MULTISYSTEM, WITH FACIAL DYSMORPHISM. Identifiers: Orphanet 228426, MedGen C3150649, MONDO:0013245, OMIM 613385.

Allele frequency attached by ClinVar (database versions not stated): TOPMed below 0.00001.

Submission:

Labcorp Genetics (formerly Invitae), Labcorp
Classification: Uncertain significance for Syndromic multisystem autoimmune disease due to ITCH deficiency. Last evaluated: 2022-06-25. Review status: criteria provided, single submitter. Criteria: Invitae Variant Classification Sherloc (09022015). Collection method: clinical testing. Allele origin: germline.
Comment: This sequence change replaces isoleucine, which is neutral and non-polar, with valine, which is neutral and non-polar, at codon 655 of the ITCH protein (p.Ile655Val). This variant is not present in population databases (gnomAD no frequency). This variant has not been reported in the literature in individuals affected with ITCH-related conditions. Algorithms developed to predict the effect of missense changes on protein structure and function are either unavailable or do not agree on the potential impact of this missense change (SIFT: "Not Available"; PolyPhen-2: "Possibly Damaging"; Align-GVGD: "Not Available"). In summary, the available evidence is currently insufficient to determine the role of this variant in disease. Therefore, it has been classified as a Variant of Uncertain Significance.

NM_031483.7(ITCH):c.1963A>G (p.Ile655Val)

Gene: ITCH (itchy E3 ubiquitin protein ligase; plus strand). Cytogenetic location: 20q11.22.
Variant type: single nucleotide variant.
Coding change: c.1963A>G on transcript NM_031483.7 (MANE Select); coding-DNA position 1963, A replaced by G.
Protein change: p.Ile655Val; replaces isoleucine 655 with valine.
Molecular consequence: missense variant.
Genome position (GRCh38, 1-based): chr20:34,481,076, A>G. VCF-style: chr20-34481076-A-G. GRCh37 (hg19) VCF-style: chr20-33068881-A-G.
Other names: c.2086A>G, p.Ile696Val (NM_001257137.3, NM_001324197.2); c.1633A>G, p.Ile545Val (NM_001257138.3); c.1963A>G, p.Ile655Val (NM_001324198.2); short protein forms I545V, I655V, I696V.
Identifiers: ClinVar variation 1933408 (VCV001933408.2), dbSNP rs1269748222, ClinGen allele CA408670121.